The following is an entry in ClinVar:

ClinVar aggregate classification (germline): Uncertain significance (1 of 4 stars; one submission).

Submission:

ISCA site 4
Classification: Uncertain significance. Last evaluated: 2011-08-12. Review status: criteria provided, single submitter. Criteria: Kaminsky et al. (Genet Med. 2011). Collection method: clinical testing. Allele origin: maternal. Affected: yes. Observed: 1 variant allele.
Comment: Copy number variation identified through the course of routine clinical cytogenomic testing in postnatal populations. Clinical assertions have been curated as described in Kaminsky et al. 2011.

GRCh38/hg38 9p24.3(chr9:204193-332515)x1

Genes: DOCK8 (dedicator of cytokinesis 8; plus strand), DOCK8-AS1 (DOCK8 antisense RNA 1; minus strand), LOC126860552 (BRD4-independent group 4 enhancer GRCh37_chr9:285795-286994; plus strand), LOC130001435 (ATAC-STARR-seq lymphoblastoid silent region 19720; plus strand), LOC130001436 (ATAC-STARR-seq lymphoblastoid silent region 19721; plus strand) and 4 more. Cytogenetic location: 9p24.3.
Variant type: copy number loss.
Change: copy number 1 (one copy instead of two) of chr9:204,193-332,515 (128.3 kb, GRCh38 coordinates, 1-based), cytogenetic band 9p24.3.
Identifiers: ClinVar variation 161077 (VCV000161077.1).